The following is an entry in ClinVar:

ClinVar aggregate classification (germline): Uncertain significance (1 of 4 stars; one submission).

gnomAD v4.1: 7 of 1,537,196 alleles (0.00046%); highest among the groups gnomAD compares: African/African-American, 0.0096%; no homozygotes.

Submission:

Mayo Clinic Laboratories, Mayo Clinic
Classification: Uncertain significance. Last evaluated: 2025-06-05. Review status: criteria provided, single submitter. Criteria: ACMG Guidelines, 2015. Collection method: clinical testing. Allele origin: germline. Observed: 1 variant allele.
Comment: BP4_moderate

NM_001256071.3(RNF213):c.4633A>G (p.Ile1545Val)

Gene: RNF213 (ring finger protein 213; plus strand). Cytogenetic location: 17q25.3.
Variant type: single nucleotide variant.
Coding change: c.4633A>G on transcript NM_001256071.3 (MANE Select); coding-DNA position 4633, A replaced by G.
Protein change: p.Ile1545Val; replaces isoleucine 1545 with valine.
Molecular consequence: missense variant.
Genome position (GRCh38, 1-based): chr17:80,337,691, A>G. VCF-style: chr17-80337691-A-G. GRCh37 (hg19) VCF-style: chr17-78311491-A-G.
Other names: p.Ile1545Val; c.4780A>G, p.Ile1594Val (NM_001410195.1, NM_020914.5); short protein forms I1545V, I1594V.
Identifiers: ClinVar variation 4542233 (VCV004542233.1).